The following is an entry in ClinVar:

NM_000629.3(IFNAR1):c.460G>T (p.Val154Phe)

Gene: IFNAR1 (interferon alpha and beta receptor subunit 1; plus strand). Cytogenetic location: 21q22.11.
Variant type: single nucleotide variant.
Coding change: c.460G>T on transcript NM_000629.3 (MANE Select); coding-DNA position 460, G replaced by T.
Protein change: p.Val154Phe; replaces valine 154 with phenylalanine.
Molecular consequence: missense variant. On other transcripts: 5 prime UTR variant (2).
Genome position (GRCh38, 1-based): chr21:33,343,351, G>T. VCF-style: chr21-33343351-G-T. GRCh37 (hg19) VCF-style: chr21-34715657-G-T.
Other names: c.460G>T, p.Val154Phe (NM_001384498.1, NM_001384499.1, NM_001384501.1 and 1 more transcripts); c.-327G>T (NM_001384500.1); c.-3G>T (NM_001384502.1); c.253G>T, p.Val85Phe (NM_001384504.1); short protein forms V154F, V85F.
Identifiers: ClinVar variation 1511753 (VCV001511753.6), dbSNP rs2123685461, ClinGen allele CA410107346.

ClinVar aggregate classification (germline): Uncertain significance (1 of 4 stars; one submission).

Submission:

Labcorp Genetics (formerly Invitae), Labcorp
Classification: Uncertain significance. Last evaluated: 2022-11-15. Review status: criteria provided, single submitter. Criteria: Invitae Variant Classification Sherloc (09022015). Collection method: clinical testing. Allele origin: germline.
Comment: In summary, the available evidence is currently insufficient to determine the role of this variant in disease. Therefore, it has been classified as a Variant of Uncertain Significance. Algorithms developed to predict the effect of missense changes on protein structure and function are either unavailable or do not agree on the potential impact of this missense change (SIFT: "Tolerated"; PolyPhen-2: "Possibly Damaging"; Align-GVGD: "Class C0"). ClinVar contains an entry for this variant (Variation ID: 1511753). This variant has not been reported in the literature in individuals affected with IFNAR1-related conditions. This variant is not present in population databases (gnomAD no frequency). This sequence change replaces valine, which is neutral and non-polar, with phenylalanine, which is neutral and non-polar, at codon 154 of the IFNAR1 protein (p.Val154Phe).